The following is an entry in ClinVar:

ClinVar aggregate classification (germline): Uncertain significance. Review status: criteria provided, multiple submitters, no conflicts (2 of 4 stars). 2 submissions from 2 submitters: Uncertain significance (2). Last evaluated 2026-07-13.

Conditions:
SEMA3E-related disorder. Also called: SEMA3E-related condition.
CHARGE syndrome (CHARGE). Also called: Hittner Hirsch Kreh syndrome; CHARGE ASSOCIATION--COLOBOMA, HEART ANOMALY, CHOANAL ATRESIA, RETARDATION, GENITAL AND EAR ANOMALIES; Coloboma, heart anomaly, choanal atresia, retardation, genital and ear anomalies; CHARGE association; Hall-Hittner syndrome. Identifiers: Orphanet 138, MedGen C0265354, MONDO:0008965.

Allele frequency attached by ClinVar (database versions not stated): ExAC 0.00002; gnomAD 0.00002; TOPMed 0.00002; 1000 Genomes Project 30x 0.00016; 1000 Genomes Project 0.00020.
gnomAD v4.1: 20 of 1,613,628 alleles (0.0012%); highest among the groups gnomAD compares: East Asian, 0.045%; no homozygotes.

Submissions (2):

PreventionGenetics, part of Exact Sciences
Classification: Uncertain significance for SEMA3E-related condition. Last evaluated: 2026-07-13. Review status: criteria provided, single submitter. Criteria: ACMG Guidelines, 2015. Collection method: clinical testing. Allele origin: germline.
Comment: The SEMA3E c.760G>C variant is predicted to result in the amino acid substitution p.Glu254Gln. This variant has been reported in individuals with various phenotypes, including congenital kidney and urinary tract abnormalities (CAKUT) and congenital hypogonadotropic hypogonadism (Supplementary Table S3, Rao et al. 2019. PubMed ID: 31328266; Zhang et al. 2021. PubMed ID: 34348883; Wang et al. 2022. PubMed ID: 35669683). It has also been reported to occur de novo in an individual suspected to have a mitochondrial disorder; however, conclusive evidence of pathogenicity was not provided (Wu et al. 2023. PubMed ID: 36918699). This variant is reported in 0.027% of alleles in individuals of East Asian descent in gnomAD. At this time, the clinical significance of this variant is uncertain due to the absence of conclusive functional and genetic evidence.

Labcorp Genetics (formerly Invitae), Labcorp
Classification: Uncertain significance for CHARGE syndrome. Last evaluated: 2025-06-06. Review status: criteria provided, single submitter. Criteria: Invitae Variant Classification Sherloc (09022015). Collection method: clinical testing. Allele origin: germline.
Comment: This sequence change replaces glutamic acid, which is acidic and polar, with glutamine, which is neutral and polar, at codon 254 of the SEMA3E protein (p.Glu254Gln). This variant is present in population databases (rs200714352, gnomAD 0.02%). This missense change has been observed in individual(s) with renal disease (PMID: 31328266). ClinVar contains an entry for this variant (Variation ID: 3023774). Invitae Evidence Modeling of protein sequence and biophysical properties (such as structural, functional, and spatial information, amino acid conservation, physicochemical variation, residue mobility, and thermodynamic stability) indicates that this missense variant is not expected to disrupt SEMA3E protein function with a negative predictive value of 80%. In summary, the available evidence is currently insufficient to determine the role of this variant in disease. Therefore, it has been classified as a Variant of Uncertain Significance.

Literature cited by the submitters: PubMed 31328266 (cited by Labcorp Genetics (formerly Invitae), Labcorp).

NM_012431.3(SEMA3E):c.760G>C (p.Glu254Gln)

Gene: SEMA3E (semaphorin 3E; minus strand). Cytogenetic location: 7q21.11.
Variant type: single nucleotide variant.
Coding change: c.760G>C on transcript NM_012431.3 (MANE Select); coding-DNA position 760, G replaced by C.
Protein change: p.Glu254Gln; replaces glutamic acid 254 with glutamine.
Molecular consequence: missense variant.
Genome position (GRCh38, 1-based): chr7:83,407,150, C>G on the plus strand (G>C on the coding strand, the complement: SEMA3E is on the minus strand). VCF-style: chr7-83407150-C-G. GRCh37 (hg19) VCF-style: chr7-83036466-C-G.
Other names: c.580G>C, p.Glu194Gln (NM_001178129.2); c.760G>C (NM_012431.2); short protein forms E194Q, E254Q.
Identifiers: ClinVar variation 3023774 (VCV003023774.5), dbSNP rs200714352, ClinGen allele CA4322223.